The following is an entry in ClinVar:

NM_004036.5(ADCY3):c.1627T>A (p.Ser543Thr)

Gene: ADCY3 (adenylate cyclase 3; minus strand). Cytogenetic location: 2p23.3.
Variant type: single nucleotide variant.
Coding change: c.1627T>A on transcript NM_004036.5 (MANE Select); coding-DNA position 1627, T replaced by A.
Protein change: p.Ser543Thr; replaces serine 543 with threonine.
Molecular consequence: missense variant.
Genome position (GRCh38, 1-based): chr2:24,836,952, A>T on the plus strand (T>A on the coding strand, the complement: ADCY3 is on the minus strand). VCF-style: chr2-24836952-A-T. GRCh37 (hg19) VCF-style: chr2-25059821-A-T.
Other names: c.1627T>A, p.Ser543Thr (NM_001320613.2, NM_001377129.1, NM_001377130.1 and 1 more transcripts); c.1693T>A, p.Ser565Thr (NM_001377128.1); c.904T>A, p.Ser302Thr (NM_001377131.1); short protein forms S565T, S543T, S302T.
Identifiers: ClinVar variation 4990192 (VCV004990192.1).

ClinVar aggregate classification (germline): Uncertain significance (1 of 4 stars; one submission).

Conditions:
ADCY3-related disorder. Also called: ADCY3-related condition.

gnomAD v4.1: 8 of 1,613,704 alleles (0.0005%); highest among the groups gnomAD compares: African/African-American, 0.011%; no homozygotes.

Submission:

PreventionGenetics, part of Exact Sciences
Classification: Uncertain significance for ADCY3-related condition. Last evaluated: 2025-09-13. Review status: criteria provided, single submitter. Criteria: ACMG Guidelines, 2015. Collection method: clinical testing. Allele origin: germline.
Comment: The ADCY3 c.1627T>A variant is predicted to result in the amino acid substitution p.Ser543Thr. To our knowledge, this variant has not been reported in the literature. This variant is reported in 0.0080% of alleles in individuals of African descent in gnomAD. At this time, the clinical significance of this variant is uncertain due to the absence of conclusive functional and genetic evidence.